The following is an entry in ClinVar:

NM_001206999.2(CIT):c.4088G>A (p.Arg1363Gln)

Gene: CIT (citron rho-interacting serine/threonine kinase; minus strand). Cytogenetic location: 12q24.23.
Variant type: single nucleotide variant.
Coding change: c.4088G>A on transcript NM_001206999.2 (MANE Select); coding-DNA position 4088, G replaced by A.
Protein change: p.Arg1363Gln; replaces arginine 1363 with glutamine.
Molecular consequence: missense variant.
Genome position (GRCh38, 1-based): chr12:119,718,325, C>T on the plus strand (G>A on the coding strand, the complement: CIT is on the minus strand). VCF-style: chr12-119718325-C-T. GRCh37 (hg19) VCF-style: chr12-120156130-C-T.
Other names: c.3962G>A, p.Arg1321Gln (NM_007174.3); short protein forms R1363Q, R1321Q.
Identifiers: ClinVar variation 745871 (VCV000745871.33), dbSNP rs571765841, ClinGen allele CA6821343.

ClinVar aggregate classification (germline): Benign/Likely benign. Review status: criteria provided, multiple submitters, no conflicts (2 of 4 stars). 3 submissions from 3 submitters: Benign (1); Likely benign (1). 1 of the submissions does not count toward it. Last evaluated 2026-08-01.

Conditions:
CIT-related disorder. Also called: CIT-related condition.

Allele frequency attached by ClinVar (database versions not stated): TOPMed 0.00009; gnomAD 0.00010 and 0.00019; 1000 Genomes Project 30x 0.00031; 1000 Genomes Project 0.00040; gnomAD exomes 0.00053 and 0.00093; ExAC 0.00103.
gnomAD v4.1: 795 of 1,613,986 alleles (0.049%); highest among the groups gnomAD compares: South Asian, 0.66%; 8 homozygotes.

Submissions (3):

CeGaT Center for Human Genetics Tuebingen
Classification: Likely benign. Last evaluated: 2026-08-01. Review status: criteria provided, single submitter. Criteria: CeGaT Center For Human Genetics Tuebingen Variant Classification Criteria Version 2. Collection method: clinical testing. Allele origin: germline. Affected: yes. Observed: 7 variant alleles.
Comment: CIT: BS2

Labcorp Genetics (formerly Invitae), Labcorp
Classification: Benign. Last evaluated: 2025-01-23. Review status: criteria provided, single submitter. Criteria: Invitae Variant Classification Sherloc (09022015). Collection method: clinical testing. Allele origin: germline.

PreventionGenetics, part of Exact Sciences
Classification: Likely benign for CIT-related condition. Last evaluated: 2019-08-09. Review status: no assertion criteria provided. Collection method: clinical testing. Allele origin: germline. Not counted in ClinVar's aggregate classification.
Comment: This variant is classified as likely benign based on ACMG/AMP sequence variant interpretation guidelines (Richards et al. 2015 PMID: 25741868, with internal and published modifications).